The following is an entry in ClinVar:

NM_000153.4(GALC):c.36C>T (p.Arg12=)

Gene: GALC (galactosylceramidase; minus strand). Cytogenetic location: 14q31.3.
Variant type: single nucleotide variant.
Coding change: c.36C>T on transcript NM_000153.4 (MANE Select); coding-DNA position 36, C replaced by T.
Protein change: p.Arg12=; no amino-acid change (arginine 12 retained).
Molecular consequence: synonymous variant. On other transcripts: 5 prime UTR variant (3), non-coding transcript variant (1), intron variant (2).
Genome position (GRCh38, 1-based): chr14:87,993,129, G>A on the plus strand (C>T on the coding strand, the complement: GALC is on the minus strand). VCF-style: chr14-87993129-G-A. GRCh37 (hg19) VCF-style: chr14-88459473-G-A.
Other names: c.36C>T, p.Arg12= (NM_001201401.2); c.-235C>T (NM_001424072.1); c.-401C>T (NM_001424075.1); c.-632C>T (NM_001424077.1); c.-473+254C>T (NM_001424076.1); c.117+254C>T (NM_001201402.2).
Identifiers: ClinVar variation 4822671 (VCV004822671.4).

ClinVar aggregate classification (germline): Likely benign (1 of 4 stars; one submission).

gnomAD v4.1: 2 of 1,585,228 alleles (0.00013%); highest among the groups gnomAD compares: Non-Finnish European, 0.00017%; no homozygotes.

Submission:

CeGaT Center for Human Genetics Tuebingen
Classification: Likely benign. Last evaluated: 2026-05-01. Review status: criteria provided, single submitter. Criteria: CeGaT Center For Human Genetics Tuebingen Variant Classification Criteria Version 2. Collection method: clinical testing. Allele origin: germline. Affected: yes. Observed: 2 variant alleles.
Comment: GALC: BP4, BP7